The following is an entry in ClinVar:

NM_005883.3(APC2):c.1303+4_1303+5del

Gene: APC2 (APC regulator of WNT signaling pathway 2; plus strand). Cytogenetic location: 19p13.3.
Variant type: Deletion.
Coding change: c.1303+4_1303+5del on transcript NM_005883.3 (MANE Select); bases 4 to 5 of the intron after coding-DNA position 1303, 2 bases deleted (AG; older notation c.1303+4_1303+5delAG).
Molecular consequence: intron variant.
Genome position (GRCh38, 1-based): chr19:1,458,064-1,458,065, AG deleted; deleting any 2 consecutive bases within chr19:1,458,063-1,458,065 gives the same sequence; the c. name uses the placement nearest the transcript's 3' end. VCF-style (leftmost placement, unchanged base first): chr19-1458062-TGA-T. GRCh37 (hg19) VCF-style: chr19-1458061-TGA-T.
Other names: c.1300+4_1300+5del (NM_001351273.1).
Identifiers: ClinVar variation 2228697 (VCV002228697.2), dbSNP rs2512485073, ClinGen allele CA2580096037.

ClinVar aggregate classification (germline): Uncertain significance (1 of 4 stars; one submission).

Conditions:
Inborn genetic diseases. Identifiers: MedGen C0950123, MeSH D030342.

Submission:

Ambry Genetics
Classification: Uncertain significance for Inborn genetic diseases. Last evaluated: 2021-01-11. Review status: criteria provided, single submitter. Criteria: Ambry Variant Classification Scheme 2023. Collection method: clinical testing. Allele origin: germline.
Comment: The c.1303+4_1303+5delAG alteration is located in intron 10 of the APC2 gene. This alteration consists of a deletion of 2 nucleotides at nucleotide position c.1303+4. In silico splice site analysis predicts that this alteration will result in the creation or strengthening of a novel splice donor site. Based on insufficient or conflicting evidence, the clinical significance of this alteration remains unclear.